The following is an entry in ClinVar:

ClinVar aggregate classification (germline): Uncertain significance. Review status: criteria provided, multiple submitters, no conflicts (2 of 4 stars). 3 submissions from 3 submitters: Uncertain significance (2). 1 of the submissions does not count toward it. Last evaluated 2026-09-08.

Conditions:
NPC1-related disorder. Also called: NPC1-related condition.
Niemann-Pick disease, type C1. Also called: NEUROVISCERAL STORAGE DISEASE WITH VERTICAL SUPRANUCLEAR OPHTHALMOPLEGIA; NIEMANN-PICK DISEASE WITH CHOLESTEROL ESTERIFICATION BLOCK; NIEMANN-PICK DISEASE WITHOUT SPHINGOMYELINASE DEFICIENCY; NIEMANN-PICK DISEASE, CHRONIC NEURONOPATHIC FORM; NIEMANN-PICK DISEASE, VARIANT TYPE C1. Identifiers: Orphanet 646, MedGen C3179455, MONDO:0009757, OMIM 257220.

Allele frequency attached by ClinVar (database versions not stated): gnomAD exomes 0.00001 and 0.00002; TOPMed 0.00001; ExAC 0.00003.
gnomAD v4.1: 18 of 1,614,150 alleles (0.0011%); highest among the groups gnomAD compares: Admixed American, 0.005%; no homozygotes.

Submissions (3):

PreventionGenetics, part of Exact Sciences
Classification: Uncertain significance for NPC1-related condition. Last evaluated: 2026-09-08. Review status: criteria provided, single submitter. Criteria: ACMG Guidelines, 2015. Collection method: clinical testing. Allele origin: germline.
Comment: The NPC1 c.2951C>T variant is predicted to result in the amino acid substitution p.Pro984Leu. To our knowledge, this variant has not been reported in the literature. This variant is reported in 0.0099% of alleles in individuals of Ashkenazi Jewish descent in gnomAD. At this time, the clinical significance of this variant is uncertain due to the absence of conclusive functional and genetic evidence.

Labcorp Genetics (formerly Invitae), Labcorp
Classification: Uncertain significance for Niemann-Pick disease, type C1. Last evaluated: 2022-07-23. Review status: criteria provided, single submitter. Criteria: Invitae Variant Classification Sherloc (09022015). Collection method: clinical testing. Allele origin: germline.
Comment: This sequence change replaces proline, which is neutral and non-polar, with leucine, which is neutral and non-polar, at codon 984 of the NPC1 protein (p.Pro984Leu). This variant is present in population databases (rs755143457, gnomAD 0.01%). This variant has not been reported in the literature in individuals affected with NPC1-related conditions. ClinVar contains an entry for this variant (Variation ID: 966848). Advanced modeling of protein sequence and biophysical properties (such as structural, functional, and spatial information, amino acid conservation, physicochemical variation, residue mobility, and thermodynamic stability) performed at Invitae indicates that this missense variant is not expected to disrupt NPC1 protein function. In summary, the available evidence is currently insufficient to determine the role of this variant in disease. Therefore, it has been classified as a Variant of Uncertain Significance.

Natera, Inc.
Classification: Uncertain significance for Niemann-Pick disease type C1. Last evaluated: 2020-01-10. Review status: no assertion criteria provided. Collection method: clinical testing. Allele origin: germline. Not counted in ClinVar's aggregate classification.

NM_000271.5(NPC1):c.2951C>T (p.Pro984Leu)

Gene: NPC1 (NPC intracellular cholesterol transporter 1; minus strand). Cytogenetic location: 18q11.2.
Variant type: single nucleotide variant.
Coding change: c.2951C>T on transcript NM_000271.5 (MANE Select); coding-DNA position 2951, C replaced by T.
Protein change: p.Pro984Leu; replaces proline 984 with leucine.
Molecular consequence: missense variant.
Genome position (GRCh38, 1-based): chr18:23,538,632, G>A on the plus strand (C>T on the coding strand, the complement: NPC1 is on the minus strand). VCF-style: chr18-23538632-G-A. GRCh37 (hg19) VCF-style: chr18-21118596-G-A.
Other names: short protein forms P984L.
Identifiers: ClinVar variation 966848 (VCV000966848.7), dbSNP rs755143457, ClinGen allele CA8912905.
Genomic context (GRCh38, chr18:23,538,632, plus strand): 5'-GAAAGGAACATGGGCAGGAATCTCATGAAGTCTCCCCCCTGAGGCCTCTGTTTGCCTTCC[G>A]GAGTCAGAGGCCTGCAGCGAACGCAGGCAGGGTCAACCACTGGCGGAGACATGCAGGGAG-3'
Protein context (NP_000262.2, residues 974-994): PACVRCRPLT[Pro984Leu]EGKQRPQGGD